The following is an entry in ClinVar:

NM_000466.3(PEX1):c.1601del (p.Pro534fs)

Gene: PEX1 (peroxisomal biogenesis factor 1; minus strand). Cytogenetic location: 7q21.2.
Variant type: Deletion.
Coding change: c.1601del on transcript NM_000466.3 (MANE Select); coding-DNA position 1601, one base deleted (C; older notation c.1601delC).
Protein change: p.Pro534fs; shifts the reading frame from proline 534.
Molecular consequence: frameshift variant.
Genome position (GRCh38, 1-based): chr7:92,509,398, G deleted on the plus strand (C on the coding strand, the reverse complement: PEX1 is on the minus strand); the first of 2 consecutive G bases (chr7:92,509,398-92,509,399); deleting either gives the same sequence. VCF-style (leftmost placement, unchanged base first): chr7-92509397-AG-A. GRCh37 (hg19) VCF-style: chr7-92138711-AG-A.
Other names: c.1601del, p.Pro534fs (NM_001282677.2); c.977del, p.Pro326fs (NM_001282678.2); short protein forms P326fs, P534fs.
Identifiers: ClinVar variation 5015651 (VCV005015651.1).

ClinVar aggregate classification (germline): Pathogenic (1 of 4 stars; one submission).

Conditions:
Peroxisome biogenesis disorder. Identifiers: Orphanet 79189, MedGen C1832200, MONDO:0019234. Disease mechanism: loss of function.

Submission:

Myriad Genetics, Inc.
Classification: Pathogenic for Peroxisome biogenesis disorder. Last evaluated: 2026-03-06. Review status: criteria provided, single submitter. Criteria: Myriad Autosomal Dominant, Autosomal Recessive and X-Linked Classification Criteria (2023). Collection method: clinical testing. Allele origin: unknown.
Comment: NM_000466.2(PEX1):c.1601delC(P534Lfs*3) is expected to be pathogenic in the context of peroxisome biogenesis disorder type 1. This variant is predicted to lead to an abnormal or absent protein product due to the creation of a premature termination codon in PEX1, a gene where loss-of-function variants are known to be pathogenic. Please note: this variant was assessed in the context of healthy population screening.